The following is an entry in ClinVar:

ClinVar aggregate classification (germline): Likely benign (1 of 4 stars; one submission).

Conditions:
Oculotrichoanal syndrome (MOTA). Also called: MARLES SYNDROME; Manitoba Oculotrichoanal (MOTA) Syndrome. Identifiers: Orphanet 2717, MedGen C1855425, MONDO:0009560, OMIM 248450.

Allele frequency attached by ClinVar (database versions not stated): gnomAD 0.00310 and 0.00283; 1000 Genomes Project 30x 0.00359; TOPMed 0.00323; 1000 Genomes Project 0.00260.

Submission:

Illumina Laboratory Services, Illumina
Classification: Likely benign for Oculotrichoanal syndrome. Last evaluated: 2018-01-12. Review status: criteria provided, single submitter. Criteria: ICSL Variant Classification Criteria 13 December 2019. Collection method: clinical testing. Allele origin: germline.
Comment: This variant was observed in the ICSL laboratory as part of a predisposition screen in an ostensibly healthy population. It had not been previously curated by ICSL or reported in the Human Gene Mutation Database (HGMD: prior to June 1st, 2018), and was therefore a candidate for classification through an automated scoring system. Utilizing variant allele frequency, disease prevalence and penetrance estimates, and inheritance mode, an automated score was calculated to assess if this variant is too frequent to cause the disease. Based on the score and internal cut-off values, a variant classified as likely benign is not then subjected to further curation. The score for this variant resulted in a classification of likely benign for this disease.

NM_144966.5(FREM1):c.*2461C>A

Gene: FREM1 (FRAS1 related extracellular matrix 1; minus strand). Cytogenetic location: 9p22.3.
Variant type: single nucleotide variant.
Coding change: c.*2461C>A on transcript NM_144966.5; 2461 bases downstream of the stop codon, C replaced by A.
Genome position (GRCh38, 1-based): chr9:14,734,935, G>T on the plus strand (C>A on the coding strand, the complement: FREM1 is on the minus strand). VCF-style: chr9-14734935-G-T. GRCh37 (hg19) VCF-style: chr9-14734933-G-T.
Identifiers: ClinVar variation 366052 (VCV000366052.7), dbSNP rs112050651, ClinGen allele CA10626981.
Genomic context (GRCh38, chr9:14,734,935, plus strand): 5'-TCATTTTCACCACTTCTTGGAAGGAGATGAAATGATTATCATATGTTGCTTAAGTTTATT[G>T]TTAGCAAATAGATGCTATGTTTTTGTTAAAGACCAAACAATCAGAAGATTCTGAAAAGCT-3'